The following is an entry in ClinVar:

ClinVar aggregate classification (germline): Conflicting classifications of pathogenicity. Review status: criteria provided, conflicting classifications (1 of 4 stars). 2 submissions from 2 submitters: Uncertain significance (1); Likely benign (1). Last evaluated 2026-08-01.

Submissions (2):

CeGaT Center for Human Genetics Tuebingen
Classification: Likely benign. Last evaluated: 2026-08-01. Review status: criteria provided, single submitter. Criteria: CeGaT Center For Human Genetics Tuebingen Variant Classification Criteria Version 2. Collection method: clinical testing. Allele origin: germline. Affected: yes. Observed: 1 variant allele.
Comment: PON2: BS1

Women's Health and Genetics/Laboratory Corporation of America, LabCorp
Classification: Uncertain significance. Last evaluated: 2025-12-30. Review status: criteria provided, single submitter. Criteria: LabCorp Variant Classification Summary - May 2015. Collection method: clinical testing. Allele origin: germline.
Comment: Variant summary: PON2 c.286delA (p.Arg96GlyfsX5) results in a premature termination codon, predicted to cause a truncation of the encoded protein or absence of the protein due to nonsense mediated decay, however current evidence is not sufficient to establish loss of function as a mechanism for disease. The variant allele was found at a frequency of 0.0011 in 251438 control chromosomes in the gnomAD database, including 2 homozygotes. c.286delA has been observed in individual(s) affected with PON2-related disorders. These report(s) do not provide unequivocal conclusions about association of the variant with Early Onset Coronary Artery Disease Risk. To our knowledge, no experimental evidence demonstrating an impact on protein function has been reported. The following publications have been ascertained in the context of this evaluation (PMID: 20582942, 23881933, 25588603). ClinVar contains an entry for this variant (Variation ID: 992254). Based on the evidence outlined above, the variant was classified as uncertain significance.

Literature cited by the submitters: PubMed 23881933 (cited by Women's Health and Genetics/Laboratory Corporation of America, LabCorp); PubMed 25588603 (cited by Women's Health and Genetics/Laboratory Corporation of America, LabCorp); PubMed 20582942 (cited by Women's Health and Genetics/Laboratory Corporation of America, LabCorp).

NM_000305.3(PON2):c.286del (p.Arg96fs)

Genes: ASB4 (ankyrin repeat and SOCS box containing 4; plus strand), PON2 (paraoxonase 2; minus strand), LOC107986822 (uncharacterized LOC107986822; plus strand). Cytogenetic location: 7q21.3.
Variant type: Deletion.
Coding change: c.286del on transcript NM_000305.3 (MANE Select); coding-DNA position 286, one base deleted (A; older notation c.286delA).
Protein change: p.Arg96fs; shifts the reading frame from arginine 96.
Molecular consequence: frameshift variant.
Genome position (GRCh38, 1-based): chr7:95,412,393, T deleted on the plus strand (A on the coding strand, the reverse complement: PON2 is on the minus strand); the first of 2 consecutive T bases (chr7:95,412,393-95,412,394); deleting either gives the same sequence. VCF-style (leftmost placement, unchanged base first): chr7-95412392-CT-C. GRCh37 (hg19) VCF-style: chr7-95041704-CT-C.
Other names: c.286del, p.Arg96fs (NM_001018161.2); c.286delA (NM_000305.3); short protein forms R96fs.
Identifiers: ClinVar variation 992254 (VCV000992254.5), dbSNP rs548392448, ClinGen allele CA4351099.